The following is an entry in ClinVar:

ClinVar aggregate classification (germline): Uncertain significance. Review status: criteria provided, multiple submitters, no conflicts (2 of 4 stars). 3 submissions from 3 submitters: Uncertain significance (3). Last evaluated 2025-12-26.

Conditions:
Long QT syndrome (LQTS). Identifiers: MedGen C0023976, MeSH D008133, MONDO:0002442. Disease mechanism: loss of function. Inheritance: Various modes of inheritance.
Cardiovascular phenotype. Identifiers: MedGen CN230736.

Submissions (4):

Ambry Genetics
Classification: Uncertain significance for Cardiovascular phenotype. Last evaluated: 2025-12-26. Review status: criteria provided, single submitter. Criteria: Ambry Variant Classification Scheme 2023. Collection method: clinical testing. Allele origin: germline.
Comment: The p.L48P variant (also known as c.143T>C), located in coding exon 1 of the KCNE1 gene, results from a T to C substitution at nucleotide position 143. The leucine at codon 48 is replaced by proline, an amino acid with similar properties. This amino acid position is highly conserved in available vertebrate species. In addition, this alteration is predicted to be deleterious by in silico analysis. Based on the available evidence, the clinical significance of this variant remains unclear.

Labcorp Genetics (formerly Invitae), Labcorp
Classification: Uncertain significance for Long QT syndrome. Last evaluated: 2025-03-05. Review status: criteria provided, single submitter. Criteria: Invitae Variant Classification Sherloc (09022015). Collection method: clinical testing. Allele origin: germline.
Comment: This sequence change replaces leucine, which is neutral and non-polar, with proline, which is neutral and non-polar, at codon 48 of the KCNE1 protein (p.Leu48Pro). This variant is not present in population databases (gnomAD no frequency). This variant has not been reported in the literature in individuals affected with KCNE1-related conditions. ClinVar contains an entry for this variant (Variation ID: 1677446). Invitae Evidence Modeling of protein sequence and biophysical properties (such as structural, functional, and spatial information, amino acid conservation, physicochemical variation, residue mobility, and thermodynamic stability) indicates that this missense variant is expected to disrupt KCNE1 protein function with a positive predictive value of 95%. In summary, the available evidence is currently insufficient to determine the role of this variant in disease. Therefore, it has been classified as a Variant of Uncertain Significance.

AiLife Diagnostics
Classification: Uncertain significance. Last evaluated: 2021-08-11. Review status: criteria provided, single submitter. Criteria: ACMG Guidelines, 2015. Collection method: clinical testing. Allele origin: germline. Affected: yes. Observed: 1 variant allele.

Roden Lab, Vanderbilt University Medical Center
No classification provided (evidence only). Condition: Long QT syndrome 5. Review status: no classification provided. Collection method: in vitro. Allele origin: not applicable. Functional consequence: Effect on ion channel function. Not counted in ClinVar's aggregate classification.
ClinVar note: "not provided" was previously submitted as the classification for the variant. However, the classification appeared to be based only on an observation of functional data so it was converted to no classification on 2025-07-30.

NM_000219.6(KCNE1):c.143T>C (p.Leu48Pro)

Gene: KCNE1 (potassium voltage-gated channel subfamily E regulatory subunit 1; minus strand). Cytogenetic location: 21q22.12.
Variant type: single nucleotide variant.
Coding change: c.143T>C on transcript NM_000219.6 (MANE Select); coding-DNA position 143, T replaced by C.
Protein change: p.Leu48Pro; replaces leucine 48 with proline.
Molecular consequence: missense variant.
Genome position (GRCh38, 1-based): chr21:34,449,492, A>G on the plus strand (T>C on the coding strand, the complement: KCNE1 is on the minus strand). VCF-style: chr21-34449492-A-G. GRCh37 (hg19) VCF-style: chr21-35821790-A-G.
Other names: c.143T>C, p.Leu48Pro (NM_001270402.3, NM_001270403.2, NM_001270404.3 and 4 more transcripts); c.143T>C (NM_000219.3); short protein forms L48P.
Identifiers: ClinVar variation 1677446 (VCV001677446.9), dbSNP rs1217080820, ClinGen allele CA410198398.